The following is an entry in ClinVar:

ClinVar aggregate classification (germline): Uncertain significance (1 of 4 stars; one submission).

Conditions:
Trigonocephaly 2 (TRIGNO2). Identifiers: Orphanet 3366, MedGen C3280974, MONDO:0013774, OMIM 614485.

Allele frequency attached by ClinVar (database versions not stated): TOPMed 0.00001.

Submission:

Baylor Genetics
Classification: Uncertain significance for Trigonocephaly 2. Last evaluated: 2019-11-26. Review status: criteria provided, single submitter. Criteria: ACMG Guidelines, 2015. Collection method: clinical testing. Allele origin: unknown. Affected: yes.
Comment: This variant was determined to be of uncertain significance according to ACMG Guidelines, 2015 [PMID:25741868].

NM_001379081.2(FREM1):c.3694+6G>C

Gene: FREM1 (FRAS1 related extracellular matrix 1; minus strand). Cytogenetic location: 9p22.3.
Variant type: single nucleotide variant.
Coding change: c.3694+6G>C on transcript NM_001379081.2 (MANE Select); 6 bases into the intron after coding-DNA position 3694, G replaced by C.
Molecular consequence: intron variant.
Genome position (GRCh38, 1-based): chr9:14,801,646, C>G on the plus strand (G>C on the coding strand, the complement: FREM1 is on the minus strand). VCF-style: chr9-14801646-C-G. GRCh37 (hg19) VCF-style: chr9-14801644-C-G.
Other names: c.3694+6G>C (NM_144966.7).
Identifiers: ClinVar variation 1030228 (VCV001030228.1), dbSNP rs749794055, ClinGen allele CA4990458.